The following is an entry in ClinVar:

NM_005859.5(PURA):c.228del (p.Asp76fs)

Gene: PURA (purine rich element binding protein A; plus strand). Cytogenetic location: 5q31.3.
Variant type: Deletion.
Coding change: c.228del on transcript NM_005859.5 (MANE Select); coding-DNA position 228, one base deleted (C; older notation c.228delC).
Protein change: p.Asp76fs; shifts the reading frame from aspartic acid 76.
Molecular consequence: frameshift variant.
Genome position (GRCh38, 1-based): chr5:140,114,409, C deleted. VCF-style (leftmost placement, unchanged base first): chr5-140114408-AC-A. GRCh37 (hg19) VCF-style: chr5-139493993-AC-A.
Other names: short protein forms D76fs.
Identifiers: ClinVar variation 2500765 (VCV002500765.4), dbSNP rs2479504544, ClinGen allele CA923726103.
Genomic context (GRCh38, chr5:140,114,408, plus strand): 5'-ACGAGACGCAGGAGCTGGCCTCCAAGCGGGTGGACATCCAGAACAAGCGCTTCTACCTGG[AC>A]GTGAAGCAGAACGCCAAGGGCCGCTTCCTGAAGATCGCCGAGGTGGGCGCGGGCGGCAAC-3'

ClinVar aggregate classification (germline): Pathogenic (1 of 4 stars; one submission).

Conditions:
PURA-related severe neonatal hypotonia-seizures-encephalopathy syndrome (NEDRIHF). Also called: NEURODEVELOPMENTAL DISORDER WITH NEONATAL RESPIRATORY INSUFFICIENCY, HYPOTONIA, AND FEEDING DIFFICULTIES; PURA-Related Neurodevelopmental Disorders. Identifiers: Orphanet 438213, Orphanet 438216, MedGen C4015357, MONDO:1060108, OMIM 616158, MONDO:0018580.

Submission:

Victorian Clinical Genetics Services, Murdoch Childrens Research Institute
Classification: Pathogenic for PURA-related severe neonatal hypotonia-seizures-encephalopathy syndrome. Last evaluated: 2025-07-24. Review status: criteria provided, single submitter. Criteria: ACMG Guidelines, 2015. Collection method: clinical testing. Allele origin: germline. Affected: yes.
Comment: This variant is classified as Pathogenic. Evidence in support of pathogenic classification: Variant is predicted to result in a truncated protein (premature termination codon is NOT located at least 54 nucleotides upstream of the final exon-exon junction) with at least 1/3 of the protein sequence affected; Variant is absent from gnomAD (v2, v3 and v4); Other truncating variants comparable to the one identified in this case have very strong previous evidence for pathogenicity (DECIPHER). Additional information: This variant is heterozygous; This gene is associated with autosomal dominant disease; This variant has no previous evidence of pathogenicity; No published functional evidence has been identified for this variant; Variant is predicted to truncate at least one well-established functional domain (most of the PurA ssDNA and RNA-binding protein; NCBI); Loss of function is likely a mechanism of disease in this gene and is associated with neurodevelopmental disorder with neonatal respiratory insufficiency, hypotonia, and feeding difficulties (MIM#616158; PMID: 28448108); Variants in this gene are known to have variable expressivity (PMID: 29097605).

Literature cited by the submitters: PubMed 29097605; PubMed 28448108.